The following is an entry in ClinVar:

NM_001379500.1(COL18A1):c.743_763dup (p.Gly254_Leu255insProGlyAspSerGlySerGly)

Gene: COL18A1 (collagen type XVIII alpha 1 chain; plus strand). Cytogenetic location: 21q22.3.
Variant type: Duplication.
Coding change: c.743_763dup on transcript NM_001379500.1 (MANE Select); coding-DNA positions 743 to 763, 21 bases duplicated (CCGGAGACTCTGGCAGCGGGC).
Protein change: p.Gly254_Leu255insProGlyAspSerGlySerGly.
Molecular consequence: inframe insertion.
Genome position (GRCh38, 1-based): chr21:45,475,480-45,475,500, CCGGAGACTCTGGCAGCGGGC duplicated. VCF-style (leftmost placement, unchanged base first): chr21-45475479-T-TCCGGAGACTCTGGCAGCGGGC. GRCh37 (hg19) VCF-style: chr21-46895393-T-TCCGGAGACTCTGGCAGCGGGC.
Other names: c.1283_1303dup, p.Gly434_Leu435insProGlyAspSerGlySerGly (NM_030582.4); c.1988_2008dup, p.Gly669_Leu670insProGlyAspSerGlySerGly (NM_130444.3).
Identifiers: ClinVar variation 1469279 (VCV001469279.6), dbSNP rs1380739283, ClinGen allele CA749791738.
Genomic context (GRCh38, chr21:45,475,479, plus strand): 5'-GCTCGGGGCCTGGCCTGGCTGCCATCTCTCCAGCCTTTCCCTTTTCAAACTCCTCAGGCA[T>TCCGGAGACTCTGGCAGCGGGC]CCGGAGACTCTGGCAGCGGGCTCGGGGACGCCCGGGAGCTTCTCAGGGAGGAGACGGTGA-3'

ClinVar aggregate classification (germline): Uncertain significance (1 of 4 stars; one submission).

Allele frequency attached by ClinVar (database versions not stated): gnomAD exomes below 0.00001; TOPMed below 0.00001.

Submission:

Labcorp Genetics (formerly Invitae), Labcorp
Classification: Uncertain significance. Last evaluated: 2022-07-12. Review status: criteria provided, single submitter. Criteria: Invitae Variant Classification Sherloc (09022015). Collection method: clinical testing. Allele origin: germline.
Comment: This variant, c.743_763dup, results in the insertion of 7 amino acid(s) of the COL18A1 protein (p.Gly254_Leu255ins7), but otherwise preserves the integrity of the reading frame. This variant is not present in population databases (gnomAD no frequency). This variant has not been reported in the literature in individuals affected with COL18A1-related conditions. ClinVar contains an entry for this variant (Variation ID: 1469279). Experimental studies and prediction algorithms are not available or were not evaluated, and the functional significance of this variant is currently unknown. In summary, the available evidence is currently insufficient to determine the role of this variant in disease. Therefore, it has been classified as a Variant of Uncertain Significance.